The following is an entry in ClinVar:

ClinVar aggregate classification (germline): Uncertain significance. Review status: criteria provided, multiple submitters, no conflicts (2 of 4 stars). 2 submissions from 2 submitters: Uncertain significance (2). Last evaluated 2024-12-22.

Conditions:
Progressive sclerosing poliodystrophy (MTDPS4A). Also called: ALPERS DIFFUSE DEGENERATION OF CEREBRAL GRAY MATTER WITH HEPATIC CIRRHOSIS; Alpers-Huttenlocher Syndrome; ALPERS PROGRESSIVE INFANTILE POLIODYSTROPHY; NEURONAL DEGENERATION OF CHILDHOOD WITH LIVER DISEASE, PROGRESSIVE; Mitochondrial DNA Depletion Syndrome 4A; Alpers-Huttenlocher Syndrome (AHS). Identifiers: Orphanet 726, MedGen C0205710, MONDO:0008758, OMIM 203700.

Allele frequency attached by ClinVar (database versions not stated): gnomAD exomes below 0.00001; ExAC 0.00001; TOPMed 0.00001; gnomAD 0.00002.
gnomAD v4.1: 3 of 1,613,942 alleles (0.00019%); highest among the groups gnomAD compares: Non-Finnish European, 0.00025%; no homozygotes.

Submissions (2):

Labcorp Genetics (formerly Invitae), Labcorp
Classification: Uncertain significance for Progressive sclerosing poliodystrophy. Last evaluated: 2024-12-22. Review status: criteria provided, single submitter. Criteria: Invitae Variant Classification Sherloc (09022015). Collection method: clinical testing. Allele origin: germline.
Comment: This sequence change replaces tyrosine, which is neutral and polar, with cysteine, which is neutral and slightly polar, at codon 1166 of the POLG protein (p.Tyr1166Cys). This variant is not present in population databases (gnomAD no frequency). This variant has not been reported in the literature in individuals affected with POLG-related conditions. ClinVar contains an entry for this variant (Variation ID: 206617). Invitae Evidence Modeling of protein sequence and biophysical properties (such as structural, functional, and spatial information, amino acid conservation, physicochemical variation, residue mobility, and thermodynamic stability) has been performed for this missense variant. However, the output from this modeling did not meet the statistical confidence thresholds required to predict the impact of this variant on POLG protein function. In summary, the available evidence is currently insufficient to determine the role of this variant in disease. Therefore, it has been classified as a Variant of Uncertain Significance.

GeneDx
Classification: Uncertain significance. Last evaluated: 2022-09-28. Review status: criteria provided, single submitter. Criteria: GeneDx Variant Classification Process June 2021. Collection method: clinical testing. Allele origin: germline. Affected: yes.
Comment: Not observed at significant frequency in large population cohorts (gnomAD); In silico analysis supports that this missense variant has a deleterious effect on protein structure/function; Has not been previously published as pathogenic or benign to our knowledge

NM_002693.3(POLG):c.3497A>G (p.Tyr1166Cys)

Gene: POLG (DNA polymerase gamma, catalytic subunit; minus strand). Cytogenetic location: 15q26.1.
Variant type: single nucleotide variant.
Coding change: c.3497A>G on transcript NM_002693.3 (MANE Select); coding-DNA position 3497, A replaced by G.
Protein change: p.Tyr1166Cys; replaces tyrosine 1166 with cysteine.
Molecular consequence: missense variant.
Genome position (GRCh38, 1-based): chr15:89,317,522, T>C on the plus strand (A>G on the coding strand, the complement: POLG is on the minus strand). VCF-style: chr15-89317522-T-C. GRCh37 (hg19) VCF-style: chr15-89860753-T-C.
Other names: p.Y1166C:TAC>TGC; c.3497A>G, p.Tyr1166Cys (NM_001126131.2); short protein forms Y1166C.
Identifiers: ClinVar variation 206617 (VCV000206617.8), dbSNP rs754900596, ClinGen allele CA316873.
Genomic context (GRCh38, chr15:89,317,522, plus strand): 5'-TCAATATCGACTGCACTGAAAAAGGCGACTGACTGGGGCAAGTCATTCAGACCCAGCTTG[T>C]AGGCAAACATGCACCTGAAAGAGACCCAATCTACTCTCACAGTCATGCCCCTCCTGTGAA-3'
Protein context (NP_002684.1, residues 1156-1176): TNLLTRCMFA[Tyr1166Cys]KLGLNDLPQS